The following is an entry in ClinVar:

NM_174878.3(CLRN1):c.142A>G (p.Asn48Asp)

Gene: CLRN1 (clarin 1; minus strand). Cytogenetic location: 3q25.1.
Variant type: single nucleotide variant.
Coding change: c.142A>G on transcript NM_174878.3 (MANE Select); coding-DNA position 142, A replaced by G.
Protein change: p.Asn48Asp; replaces asparagine 48 with aspartic acid.
Molecular consequence: missense variant. On other transcripts: non-coding transcript variant (1).
Genome position (GRCh38, 1-based): chr3:150,972,567, T>C on the plus strand (A>G on the coding strand, the complement: CLRN1 is on the minus strand). VCF-style: chr3-150972567-T-C. GRCh37 (hg19) VCF-style: chr3-150690354-T-C.
Other names: c.142A>G, p.Asn48Asp (NM_001195794.1, NM_001256819.2); short protein forms N48D.
Identifiers: ClinVar variation 48143 (VCV000048143.14), dbSNP rs397517930, ClinGen allele CA142679.
Genomic context (GRCh38, chr3:150,972,567, plus strand): 5'-CGTGGAAAAGCCCGTACTGCATTTCACCCATAAACTTGTCCAGCTCCTGCCCTGAGGCAT[T>C]GACGAGCAGAGCTCCCGTTTTGCAGAGGACAGTGGCTTTGATCCACAACGGTGTCCCCAA-3'
Protein context (NP_777367.1, residues 38-58): VLCKTGALLV[Asn48Asp]ASGQELDKFM

ClinVar aggregate classification (germline): Conflicting classifications of pathogenicity. Review status: criteria provided, conflicting classifications (1 of 4 stars). 4 submissions from 4 submitters: Pathogenic (1); Likely pathogenic (1); Uncertain significance (1). 1 of the submissions does not count toward it. Last evaluated 2025-12-28.

Conditions:
CLRN1-related disorder. Also called: CLRN1-related condition.
Usher syndrome type 3. Also called: Usher Syndrome, Type III. Identifiers: Orphanet 231183, MedGen C1568248, MONDO:0016485.

Allele frequency attached by ClinVar (database versions not stated): gnomAD exomes 0.00001; TOPMed 0.00001; ExAC 0.00001; gnomAD 0.00002.
gnomAD v4.1: 36 of 1,614,100 alleles (0.0022%); highest among the groups gnomAD compares: Non-Finnish European, 0.0027%; no homozygotes.

Submissions (4):

Labcorp Genetics (formerly Invitae), Labcorp
Classification: Pathogenic. Last evaluated: 2025-12-28. Review status: criteria provided, single submitter. Criteria: Invitae Variant Classification Sherloc (09022015). Collection method: clinical testing. Allele origin: germline.
Comment: This sequence change replaces asparagine, which is neutral and polar, with aspartic acid, which is acidic and polar, at codon 48 of the CLRN1 protein (p.Asn48Asp). This variant is present in population databases (rs397517930, gnomAD 0.004%). This missense change has been observed in individual(s) with clinical features of retinitis pigmentosa (internal data). In at least one individual the data is consistent with being in trans (on the opposite chromosome) from a pathogenic variant. ClinVar contains an entry for this variant (Variation ID: 48143). An algorithm developed to predict the effect of missense changes on protein structure and function (PolyPhen-2) suggests that this variant is likely to be disruptive. This variant disrupts the p.Asn48 amino acid residue in CLRN1. Other variant(s) that disrupt this residue have been determined to be pathogenic (PMID: 12080385, 14569126, 18281613, 22787034, 26180195, 28041643, 31370859). This suggests that this residue is clinically significant, and that variants that disrupt this residue are likely to be disease-causing. For these reasons, this variant has been classified as Pathogenic.

Blueprint Genetics
Classification: Likely pathogenic for CLRN1-related disorders. Last evaluated: 2021-09-22. Review status: criteria provided, single submitter. Criteria: ACMG Guidelines, 2015. Collection method: clinical testing. Allele origin: germline. Affected: yes. Observed: 5 variant alleles.

Laboratory for Molecular Medicine, Mass General Brigham Personalized Medicine
Classification: Uncertain significance. Last evaluated: 2012-07-26. Review status: criteria provided, single submitter. Criteria: LMM Criteria. Collection method: clinical testing. Allele origin: germline. Observed: 2 variant alleles.
Comment: Variant classified as Uncertain Significance - Favor Pathogenic. It has not been reported in the literature or in large population studies. Another variant (Asn48Lys) affecting the same amino acid residue has been identified in individuals with Usher syndrome type III in several families of Jewish ancestry (Fields 2002, Herrera 2008). In addition, in vitro studies have shown that the Asn48Lys variant impacts normal protein function through the disruption of N-gl ycosylation (Isosomppi 2009, Tian 2009), suggesting that the Asn48 residue is in tolerant to variation. However, without additional data, it cannot be determined whether the Asn48Asp variant will have the same impact on the protein as the As n48Lys variant. Computational tools (amino acid properties, conservation, AlignG VGD, PolyPhen2, SIFT) do not provide strong support for or against pathogenicity . In summary, the clinical significance of this variant cannot be determined wit h certainty; however because the variant affects the same residue as another pat hogenic missense variant, we would lean towards a more likely pathogenic role.

Natera, Inc.
Classification: Uncertain significance for Usher syndrome type 3. Last evaluated: 2020-02-06. Review status: no assertion criteria provided. Collection method: clinical testing. Allele origin: germline. Not counted in ClinVar's aggregate classification.

Literature cited by the submitters: PubMed 12080385 (cited by Labcorp Genetics (formerly Invitae), Labcorp); PubMed 14569126 (cited by Labcorp Genetics (formerly Invitae), Labcorp); PubMed 18281613 (cited by Labcorp Genetics (formerly Invitae), Labcorp and Laboratory for Molecular Medicine, Mass General Brigham Personalized Medicine); PubMed 22787034 (cited by Labcorp Genetics (formerly Invitae), Labcorp); PubMed 26180195 (cited by Labcorp Genetics (formerly Invitae), Labcorp); PubMed 28041643 (cited by Labcorp Genetics (formerly Invitae), Labcorp); PubMed 31370859 (cited by Labcorp Genetics (formerly Invitae), Labcorp); PubMed 19753315 (cited by Laboratory for Molecular Medicine, Mass General Brigham Personalized Medicine); PubMed 19423712 (cited by Laboratory for Molecular Medicine, Mass General Brigham Personalized Medicine); PubMed 12145752 (cited by Laboratory for Molecular Medicine, Mass General Brigham Personalized Medicine).